The following is an entry in ClinVar:

NM_198578.4(LRRK2):c.1607A>C (p.Gln536Pro)

Gene: LRRK2 (leucine rich repeat kinase 2; plus strand). Cytogenetic location: 12q12.
Variant type: single nucleotide variant.
Coding change: c.1607A>C on transcript NM_198578.4 (MANE Select); coding-DNA position 1607, A replaced by C.
Protein change: p.Gln536Pro; replaces glutamine 536 with proline.
Molecular consequence: missense variant.
Genome position (GRCh38, 1-based): chr12:40,263,852, A>C. VCF-style: chr12-40263852-A-C. GRCh37 (hg19) VCF-style: chr12-40657654-A-C.
Other names: short protein forms Q536P.
Identifiers: ClinVar variation 3540507 (VCV003540507.1).

ClinVar aggregate classification (germline): Uncertain significance (1 of 4 stars; one submission).

Conditions:
Inborn genetic diseases. Identifiers: MedGen C0950123, MeSH D030342.

gnomAD v4.1: 1 of 1,613,064 alleles (0.000062%); highest among the groups gnomAD compares: African/African-American, 0.0013%; no homozygotes.

Submission:

Ambry Genetics
Classification: Uncertain significance for Inborn genetic diseases. Last evaluated: 2024-06-26. Review status: criteria provided, single submitter. Criteria: Ambry Variant Classification Scheme 2023. Collection method: clinical testing. Allele origin: germline.
Comment: The p.Q536P variant (also known as c.1607A>C), located in coding exon 14 of the LRRK2 gene, results from an A to C substitution at nucleotide position 1607. The glutamine at codon 536 is replaced by proline, an amino acid with similar properties. This amino acid position is conserved. In addition, the in silico prediction for this alteration is inconclusive. Based on the available evidence, the clinical significance of this variant remains unclear.